The following is an entry in ClinVar:

ClinVar aggregate classification (germline): Uncertain significance (1 of 4 stars; one submission).

Allele frequency attached by ClinVar (database versions not stated): gnomAD exomes below 0.00001.

Submission:

Labcorp Genetics (formerly Invitae), Labcorp
Classification: Uncertain significance. Last evaluated: 2022-03-04. Review status: criteria provided, single submitter. Criteria: Invitae Variant Classification Sherloc (09022015). Collection method: clinical testing. Allele origin: germline.
Comment: In summary, the available evidence is currently insufficient to determine the role of this variant in disease. Therefore, it has been classified as a Variant of Uncertain Significance. Algorithms developed to predict the effect of missense changes on protein structure and function (SIFT, PolyPhen-2, Align-GVGD) all suggest that this variant is likely to be tolerated. This variant has not been reported in the literature in individuals affected with TBCK-related conditions. This variant is not present in population databases (gnomAD no frequency). This sequence change replaces alanine, which is neutral and non-polar, with threonine, which is neutral and polar, at codon 399 of the TBCK protein (p.Ala399Thr).

NM_001163435.3(TBCK):c.1195G>A (p.Ala399Thr)

Gene: TBCK (TBC1 domain containing kinase; minus strand). Cytogenetic location: 4q24.
Variant type: single nucleotide variant.
Coding change: c.1195G>A on transcript NM_001163435.3 (MANE Select); coding-DNA position 1195, G replaced by A.
Protein change: p.Ala399Thr; replaces alanine 399 with threonine.
Molecular consequence: missense variant.
Genome position (GRCh38, 1-based): chr4:106,236,784, C>T on the plus strand (G>A on the coding strand, the complement: TBCK is on the minus strand). VCF-style: chr4-106236784-C-T. GRCh37 (hg19) VCF-style: chr4-107157941-C-T.
Other names: c.1195G>A, p.Ala399Thr (NM_001163436.4); c.1078G>A, p.Ala360Thr (NM_001163437.3); c.679G>A, p.Ala227Thr (NM_001290768.2); c.1006G>A, p.Ala336Thr (NM_033115.5); short protein forms A227T, A399T, A336T, A360T.
Identifiers: ClinVar variation 2090110 (VCV002090110.4), dbSNP rs2477894345, ClinGen allele CA357823469.